The following is an entry in ClinVar:

ClinVar aggregate classification (germline): Uncertain significance (1 of 4 stars; one submission).

Conditions:
Familial adenomatous polyposis 1 (FAP1). Also called: FAMILIAL ADENOMATOUS POLYPOSIS 1, ATTENUATED; POLYPOSIS, ADENOMATOUS INTESTINAL. Identifiers: MedGen C2713442, MONDO:0021056, OMIM 175100. Disease mechanism: loss of function.

Allele frequency attached by ClinVar (database versions not stated): 1000 Genomes Project 30x 0.00016; 1000 Genomes Project 0.00020.

Submission:

Labcorp Genetics (formerly Invitae), Labcorp
Classification: Uncertain significance for Familial adenomatous polyposis 1. Last evaluated: 2026-01-21. Review status: criteria provided, single submitter. Criteria: Invitae Variant Classification Sherloc (09022015). Collection method: clinical testing. Allele origin: germline.
Comment: This variant occurs in a non-coding region of the APC gene. It does not change the encoded amino acid sequence of the APC protein. This variant is not present in population databases (gnomAD no frequency). This variant has not been reported in the literature in individuals affected with APC-related conditions. Experimental studies and prediction algorithms are not available or were not evaluated, and the functional significance of this variant is currently unknown. In summary, the available evidence is currently insufficient to determine the role of this variant in disease. Therefore, it has been classified as a Variant of Uncertain Significance.

NC_000005.10:g.112707374A>C

Gene: APC (APC regulator of Wnt signaling pathway; plus strand). Cytogenetic location: 5q22.2.
Variant type: single nucleotide variant.
Genome position: GRCh38 VCF-style: chr5-112707374-A-C. GRCh37 (hg19) VCF-style: chr5-112043071-A-C.
Identifiers: ClinVar variation 1369619 (VCV001369619.6), dbSNP rs527914616, ClinGen allele CA124924573.